The following is an entry in ClinVar:

NM_000093.5(COL5A1):c.3906+8A>G

Gene: COL5A1 (collagen type V alpha 1 chain; plus strand). Cytogenetic location: 9q34.3.
Variant type: single nucleotide variant.
Coding change: c.3906+8A>G on transcript NM_000093.5 (MANE Select); 8 bases into the intron after coding-DNA position 3906, A replaced by G.
Molecular consequence: intron variant.
Genome position (GRCh38, 1-based): chr9:134,814,044, A>G. VCF-style: chr9-134814044-A-G. GRCh37 (hg19) VCF-style: chr9-137705890-A-G.
Other names: c.3906+8A>G (NM_001278074.1).
Identifiers: ClinVar variation 2844170 (VCV002844170.3), dbSNP rs2490828986, ClinGen allele CA2692446408.
Genomic context (GRCh38, chr9:134,814,044, plus strand): 5'-GCGAGCCTGGCGAAGCAGGTGAGCCTGGCCTTCCGGGAGAAGGCGGCCCCCCGGTGAGTG[A>G]GCGGGCGCTGCGGGAGGGGTGGGATATGGCCGAGCGGGTGTGTGGACGGGGTGCTGGGTT-3'

ClinVar aggregate classification (germline): Uncertain significance (1 of 4 stars; one submission).

Conditions:
Ehlers-Danlos syndrome, classic type, 1 (EDSCL1). Also called: EHLERS-DANLOS SYNDROME, GRAVIS TYPE; EHLERS-DANLOS SYNDROME, SEVERE CLASSIC TYPE; Ehlers-Danlos syndrome, type 1; Ehlers-Danlos Syndrome, Classic Type, COL5A1-Related; EDS I. Identifiers: MedGen C0268335, MONDO:0019567, OMIM 130000.

Allele frequency attached by ClinVar (database versions not stated): gnomAD exomes below 0.00001.
gnomAD v4.1: 1 of 1,550,536 alleles (0.000064%); highest among the groups gnomAD compares: Non-Finnish European, 0.000087%; no homozygotes.

Submission:

Labcorp Genetics (formerly Invitae), Labcorp
Classification: Uncertain significance for Ehlers-Danlos syndrome, classic type, 1. Last evaluated: 2023-03-08. Review status: criteria provided, single submitter. Criteria: Invitae Variant Classification Sherloc (09022015). Collection method: clinical testing. Allele origin: germline.
Comment: This sequence change falls in intron 49 of the COL5A1 gene. It does not directly change the encoded amino acid sequence of the COL5A1 protein. This variant is not present in population databases (gnomAD no frequency). This variant has not been reported in the literature in individuals affected with COL5A1-related conditions. Algorithms developed to predict the effect of sequence changes on RNA splicing suggest that this variant may create or strengthen a splice site. In summary, the available evidence is currently insufficient to determine the role of this variant in disease. Therefore, it has been classified as a Variant of Uncertain Significance.